The following is an entry in ClinVar:

NM_000642.3(AGL):c.113C>A (p.Thr38Asn)

Gene: AGL (amylo-alpha-1,6-glucosidase and 4-alpha-glucanotransferase; plus strand). Cytogenetic location: 1p21.2.
Variant type: single nucleotide variant.
Coding change: c.113C>A on transcript NM_000642.3 (MANE Select); coding-DNA position 113, C replaced by A.
Protein change: p.Thr38Asn; replaces threonine 38 with asparagine.
Molecular consequence: missense variant. On other transcripts: intron variant (1).
Genome position (GRCh38, 1-based): chr1:99,861,533, C>A. VCF-style: chr1-99861533-C-A. GRCh37 (hg19) VCF-style: chr1-100327089-C-A.
Other names: c.113C>A, p.Thr38Asn (NM_000028.3, NM_000643.3, NM_000644.3 and 5 more transcripts); c.65C>A, p.Thr22Asn (NM_000646.3); c.83-2853C>A (NM_001425332.1); short protein forms T38N, T22N.
Identifiers: ClinVar variation 4692964 (VCV004692964.1).

ClinVar aggregate classification (germline): Uncertain significance (1 of 4 stars; one submission).

Conditions:
Glycogen storage disease type III (GSD3). Also called: Cori disease; FORBES DISEASE. Identifiers: Orphanet 366, MedGen C0017922, MONDO:0009291, OMIM 232400.

Submission:

Labcorp Genetics (formerly Invitae), Labcorp
Classification: Uncertain significance for Glycogen storage disease type III. Last evaluated: 2025-02-23. Review status: criteria provided, single submitter. Criteria: Invitae Variant Classification Sherloc (09022015). Collection method: clinical testing. Allele origin: germline.
Comment: This sequence change replaces threonine, which is neutral and polar, with asparagine, which is neutral and polar, at codon 38 of the AGL protein (p.Thr38Asn). This variant is not present in population databases (gnomAD no frequency). This variant has not been reported in the literature in individuals affected with AGL-related conditions. Invitae Evidence Modeling of protein sequence and biophysical properties (such as structural, functional, and spatial information, amino acid conservation, physicochemical variation, residue mobility, and thermodynamic stability) indicates that this missense variant is not expected to disrupt AGL protein function with a negative predictive value of 80%. In summary, the available evidence is currently insufficient to determine the role of this variant in disease. Therefore, it has been classified as a Variant of Uncertain Significance.